The following is an entry in ClinVar:

ClinVar aggregate classification (germline): Uncertain significance. Review status: criteria provided, multiple submitters, no conflicts (2 of 4 stars). 2 submissions from 2 submitters: Uncertain significance (2). Last evaluated 2026-02-17.

Conditions:
Hereditary cancer-predisposing syndrome. Also called: Hereditary Cancer Syndrome; Tumor predisposition; Neoplastic Syndromes, Hereditary; Hereditary neoplastic syndrome. Identifiers: Orphanet 140162, MedGen C0027672, MeSH D009386, MONDO:0015356.

Allele frequency attached by ClinVar (database versions not stated): gnomAD exomes below 0.00001.

Submissions (2):

Ambry Genetics
Classification: Uncertain significance for Hereditary cancer-predisposing syndrome. Last evaluated: 2026-02-17. Review status: criteria provided, single submitter. Criteria: Ambry Variant Classification Scheme 2023. Collection method: clinical testing. Allele origin: germline.
Comment: The c.601+2T>C intronic variant results from a T to C substitution two nucleotides after coding exon 1 in the HOXB13 gene. This nucleotide position is highly conserved in available vertebrate species. In silico splice site analysis predicts that this alteration will weaken the native splice donor site. This alteration is expected to cause aberrant splicing, resulting in an abnormal protein or a transcript that is subject to nonsense-mediated mRNA decay. However, loss of function via haploinsufficiency in HOXB13 has not been clearly established as a mechanism of disease. Based on the available evidence, the clinical significance of this variant remains unclear.

Labcorp Genetics (formerly Invitae), Labcorp
Classification: Uncertain significance. Last evaluated: 2023-02-27. Review status: criteria provided, single submitter. Criteria: Invitae Variant Classification Sherloc (09022015). Collection method: clinical testing. Allele origin: germline.
Comment: This sequence change falls in intron 1 of the HOXB13 gene. It does not directly change the encoded amino acid sequence of the HOXB13 protein. It affects a nucleotide within the consensus splice site. This variant is present in population databases (no rsID available, gnomAD 0.003%). This variant has not been reported in the literature in individuals affected with HOXB13-related conditions. ClinVar contains an entry for this variant (Variation ID: 826135). Variants that disrupt the consensus splice site are a relatively common cause of aberrant splicing (PMID: 17576681, 9536098). Algorithms developed to predict the effect of sequence changes on RNA splicing suggest that this variant may disrupt the consensus splice site. In summary, the available evidence is currently insufficient to determine the role of this variant in disease. Therefore, it has been classified as a Variant of Uncertain Significance.

Literature cited by the submitters: PubMed 27424772 (cited by Ambry Genetics); PubMed 17576681 (cited by Labcorp Genetics (formerly Invitae), Labcorp); PubMed 9536098 (cited by Labcorp Genetics (formerly Invitae), Labcorp).

NM_006361.6(HOXB13):c.601+2T>C

Gene: HOXB13 (homeobox B13; minus strand). Cytogenetic location: 17q21.32.
Variant type: single nucleotide variant.
Coding change: c.601+2T>C on transcript NM_006361.6 (MANE Select); the canonical splice donor site of the intron after coding-DNA position 601, T replaced by C.
Molecular consequence: splice donor variant.
Genome position (GRCh38, 1-based): chr17:48,727,991, A>G on the plus strand (T>C on the coding strand, the complement: HOXB13 is on the minus strand). VCF-style: chr17-48727991-A-G. GRCh37 (hg19) VCF-style: chr17-46805353-A-G.
Identifiers: ClinVar variation 826135 (VCV000826135.11), dbSNP rs1423895179, ClinGen allele CA400107089.
Genomic context (GRCh38, chr17:48,727,991, plus strand): 5'-AATGCCATTGGGACCCACAACCCCAGGCTCAGAGACAAGGGGACCCAGGGTAATAGAGGT[A>G]CCTGCAAATGCTGCCTTCCAAAAGGGACCTGGTGGGTTCTGTTCTCCCTGGCAACACATC-3'